The following is an entry in ClinVar:

NM_001164508.2(NEB):c.214A>G (p.Ile72Val)

Gene: NEB (nebulin; minus strand). Cytogenetic location: 2q23.3.
Variant type: single nucleotide variant.
Coding change: c.214A>G on transcript NM_001164508.2 (MANE Select); coding-DNA position 214, A replaced by G.
Protein change: p.Ile72Val; replaces isoleucine 72 with valine.
Molecular consequence: missense variant.
Genome position (GRCh38, 1-based): chr2:151,727,771, T>C on the plus strand (A>G on the coding strand, the complement: NEB is on the minus strand). VCF-style: chr2-151727771-T-C. GRCh37 (hg19) VCF-style: chr2-152584285-T-C.
Other names: c.214A>G, p.Ile72Val (NM_001164507.2, NM_001271208.2, NM_004543.5); short protein forms I72V.
Identifiers: ClinVar variation 533997 (VCV000533997.8), dbSNP rs1553698165, ClinGen allele CA348795044.

ClinVar aggregate classification (germline): Uncertain significance (1 of 4 stars; one submission).

Conditions:
Nemaline myopathy 2 (NEM2). Also called: Nemaline myopathy 2, autosomal recessive. Identifiers: MedGen C1850569, MONDO:0009725, OMIM 256030.

Submission:

Labcorp Genetics (formerly Invitae), Labcorp
Classification: Uncertain significance for Nemaline myopathy 2. Last evaluated: 2023-12-22. Review status: criteria provided, single submitter. Criteria: Invitae Variant Classification Sherloc (09022015). Collection method: clinical testing. Allele origin: germline.
Comment: This sequence change replaces isoleucine, which is neutral and non-polar, with valine, which is neutral and non-polar, at codon 72 of the NEB protein (p.Ile72Val). This variant is not present in population databases (gnomAD no frequency). This variant has not been reported in the literature in individuals affected with NEB-related conditions. ClinVar contains an entry for this variant (Variation ID: 533997). Algorithms developed to predict the effect of missense changes on protein structure and function output the following: SIFT: "Not Available"; PolyPhen-2: "Not Available"; Align-GVGD: "Not Available". The valine amino acid residue is found in multiple mammalian species, which suggests that this missense change does not adversely affect protein function. In summary, the available evidence is currently insufficient to determine the role of this variant in disease. Therefore, it has been classified as a Variant of Uncertain Significance.